The following is an entry in ClinVar:

NM_052947.4(ALPK2):c.3693G>T (p.Glu1231Asp)

Genes: ALPK2 (alpha kinase 2; minus strand), LOC126862764 (BRD4-independent group 4 enhancer GRCh37_chr18:56202574-56203773; plus strand). Cytogenetic location: 18q21.31.
Variant type: single nucleotide variant.
Coding change: c.3693G>T on transcript NM_052947.4 (MANE Select); coding-DNA position 3693, G replaced by T.
Protein change: p.Glu1231Asp; replaces glutamic acid 1231 with aspartic acid.
Molecular consequence: missense variant.
Genome position (GRCh38, 1-based): chr18:58,536,494, C>A on the plus strand (G>T on the coding strand, the complement: ALPK2 is on the minus strand). VCF-style: chr18-58536494-C-A. GRCh37 (hg19) VCF-style: chr18-56203726-C-A.
Other names: short protein forms E1231D.
Identifiers: ClinVar variation 2626032 (VCV002626032.2), dbSNP rs1243145040, ClinGen allele CA402566027.
Genomic context (GRCh38, chr18:58,536,494, plus strand): 5'-TGGTGGCCAGATTTCAGAAGCGGAAGCCTCTAGAGTTATAATCTTCAGCTTGTTGCCTGC[C>A]TCCCAATTTCCAGGTCTATATTCTTTAGACTCTTCCAAAAGGATATCAGAGAGAGATGGA-3'
Protein context (NP_443179.3, residues 1221-1241): ESKEYRPGNW[Glu1231Asp]AGNKLKIITL

ClinVar aggregate classification (germline): Uncertain significance (1 of 4 stars; one submission).

Submission:

Ambry Genetics
Classification: Uncertain significance. Last evaluated: 2023-08-30. Review status: criteria provided, single submitter. Criteria: Ambry Variant Classification Scheme 2023. Collection method: clinical testing. Allele origin: germline.
Comment: The p.E1231D variant (also known as c.3693G>T), located in coding exon 4 of the ALPK2 gene, results from a G to T substitution at nucleotide position 3693. The glutamic acid at codon 1231 is replaced by aspartic acid, an amino acid with highly similar properties. This amino acid position is conserved. In addition, this alteration is predicted to be tolerated by in silico analysis. Since supporting evidence is limited at this time, the clinical significance of this alteration remains unclear.